The following is an entry in ClinVar:

ClinVar aggregate classification (germline): Uncertain significance (1 of 4 stars; one submission).

Allele frequency attached by ClinVar (database versions not stated): gnomAD exomes below 0.00001.
gnomAD v4.1: 1 of 1,613,872 alleles (0.000062%); highest among the groups gnomAD compares: Non-Finnish European, 0.000085%; no homozygotes.

Submission:

Ambry Genetics
Classification: Uncertain significance. Last evaluated: 2019-12-05. Review status: criteria provided, single submitter. Criteria: Ambry Variant Classification Scheme 2023. Collection method: clinical testing. Allele origin: germline.
Comment: The c.3932-5T>A intronic variant results from a T to A substitution 5 nucleotides upstream from coding exon 36 in the IKBKAP gene. This nucleotide position is highly conserved in available vertebrate species. Using two different splice site prediction tools, this alteration is predicted by ESEfinder to weaken the efficiency of the native splice acceptor site, but is not predicted to have a deleterious effect on this splice acceptor site by BDGP; however, direct evidence is unavailable. Since supporting evidence is limited at this time, the clinical significance of this alteration remains unclear.

NM_003640.5(ELP1):c.3932-5T>A

Gene: ELP1 (elongator acetyltransferase complex subunit 1; minus strand). Cytogenetic location: 9q31.3.
Variant type: single nucleotide variant.
Coding change: c.3932-5T>A on transcript NM_003640.5 (MANE Select); 5 bases into the intron before coding-DNA position 3932, T replaced by A.
Molecular consequence: intron variant.
Genome position (GRCh38, 1-based): chr9:108,869,187, A>T on the plus strand (T>A on the coding strand, the complement: ELP1 is on the minus strand). VCF-style: chr9-108869187-A-T. GRCh37 (hg19) VCF-style: chr9-111631467-A-T.
Other names: c.3590-5T>A (NM_001318360.2); c.2885-5T>A (NM_001330749.2).
Identifiers: ClinVar variation 1800449 (VCV001800449.2), dbSNP rs2537839424, ClinGen allele CA2580079405.